The following is an entry in ClinVar:

ClinVar aggregate classification (germline): Conflicting classifications of pathogenicity. Review status: criteria provided, conflicting classifications (1 of 4 stars). 6 submissions from 6 submitters: Uncertain significance (5); Likely benign (1). Last evaluated 2026-08-06.

Conditions:
Hereditary cancer-predisposing syndrome. Also called: Tumor predisposition; Hereditary neoplastic syndrome; Neoplastic Syndromes, Hereditary; Hereditary Cancer Syndrome. Identifiers: Orphanet 140162, MedGen C0027672, MeSH D009386, MONDO:0015356.
Colorectal cancer. Also called: Colorectal cancer, somatic; Malignant Colorectal Neoplasm. Identifiers: MedGen C0346629, MONDO:0005575, OMIM 114500.
Birt-Hogg-Dube syndrome. Also called: Birt Hogg Dubé syndrome. Identifiers: Orphanet 122, MedGen C0346010, MONDO:0800444.
Nonpapillary renal cell carcinoma. Identifiers: Orphanet 422526, MedGen CN074294, MONDO:0007763, OMIM 144700.
Familial spontaneous pneumothorax (PSP). Identifiers: Orphanet 2903, MedGen C1868193, MONDO:0008259, OMIM 173600.
Birt-Hogg-Dube syndrome 1 (BHD1). Also called: FIBROFOLLICULOMAS WITH TRICHODISCOMAS AND ACROCHORDONS. Identifiers: Orphanet 122, MedGen CN375946, MONDO:0800445, OMIM 135150.

Allele frequency attached by ClinVar (database versions not stated): gnomAD 0.00001; ExAC 0.00002; gnomAD exomes 0.00003.
gnomAD v4.1: 43 of 1,613,314 alleles (0.0027%); highest among the groups gnomAD compares: Admixed American, 0.0067%; no homozygotes.

Submissions (6):

OLLIN Analises Genomicas, OLLIN
Classification: Uncertain significance for Colorectal cancer. Last evaluated: 2026-08-06. Review status: criteria provided, single submitter. Criteria: ACMG Guidelines 2015 PMID 25741868. Collection method: clinical testing. Allele origin: germline.
Comment: This missense variant, located in exon 6 (of 14), has been reported in ClinVar (accession VCV000826189.18) and in gnomAD with an allele frequency of 0.0027%. However, to our knowledge, it has not been reported in the scientific literature. In silico analysis predicts that this variant has a deleterious effect. According to the currently available evidence, this variant has been classified as uncertain significance (PP3_M).

Labcorp Genetics (formerly Invitae), Labcorp
Classification: Uncertain significance for Birt-Hogg-Dube syndrome. Last evaluated: 2025-10-13. Review status: criteria provided, single submitter. Criteria: Invitae Variant Classification Sherloc (09022015). Collection method: clinical testing. Allele origin: germline.
Comment: This sequence change replaces alanine, which is neutral and non-polar, with valine, which is neutral and non-polar, at codon 204 of the FLCN protein (p.Ala204Val). This variant is present in population databases (rs766401197, gnomAD 0.01%). This variant has not been reported in the literature in individuals affected with FLCN-related conditions. ClinVar contains an entry for this variant (Variation ID: 826189). Invitae Evidence Modeling of protein sequence and biophysical properties (such as structural, functional, and spatial information, amino acid conservation, physicochemical variation, residue mobility, and thermodynamic stability) indicates that this missense variant is expected to disrupt FLCN protein function with a positive predictive value of 80%. In summary, the available evidence is currently insufficient to determine the role of this variant in disease. Therefore, it has been classified as a Variant of Uncertain Significance.

CeGaT Center for Human Genetics Tuebingen
Classification: Uncertain significance. Last evaluated: 2025-04-01. Review status: criteria provided, single submitter. Criteria: CeGaT Center For Human Genetics Tuebingen Variant Classification Criteria Version 2. Collection method: clinical testing. Allele origin: germline. Affected: yes. Observed: 1 variant allele.

Fulgent Genetics
Classification: Uncertain significance for Colorectal cancer; Birt-Hogg-Dube syndrome 1; Nonpapillary renal cell carcinoma; Familial spontaneous pneumothorax. Last evaluated: 2024-06-05. Review status: criteria provided, single submitter. Criteria: ACMG Guidelines, 2015. Collection method: clinical testing. Allele origin: germline.

Blueprint Genetics
Classification: Uncertain significance. Last evaluated: 2024-04-19. Review status: criteria provided, single submitter. Criteria: ACMG Guidelines, 2015. Collection method: clinical testing. Allele origin: germline.

Ambry Genetics
Classification: Likely benign for Hereditary cancer-predisposing syndrome. Last evaluated: 2023-05-26. Review status: criteria provided, single submitter. Criteria: Ambry Variant Classification Scheme 2023. Collection method: clinical testing. Allele origin: germline.

NM_144997.7(FLCN):c.611C>T (p.Ala204Val)

Gene: FLCN (folliculin; minus strand). Cytogenetic location: 17p11.2.
Variant type: single nucleotide variant.
Coding change: c.611C>T on transcript NM_144997.7 (MANE Select); coding-DNA position 611, C replaced by T.
Protein change: p.Ala204Val; replaces alanine 204 with valine.
Molecular consequence: missense variant.
Genome position (GRCh38, 1-based): chr17:17,223,929, G>A on the plus strand (C>T on the coding strand, the complement: FLCN is on the minus strand). VCF-style: chr17-17223929-G-A. GRCh37 (hg19) VCF-style: chr17-17127243-G-A.
Other names: c.665C>T, p.Ala222Val (NM_001353229.2); c.611C>T, p.Ala204Val (NM_001353230.2, NM_001353231.2, NM_144606.7); short protein forms A222V, A204V.
Identifiers: ClinVar variation 826189 (VCV000826189.21), dbSNP rs766401197, ClinGen allele CA8416373.